The following is an entry in ClinVar:

ClinVar aggregate classification (germline): Benign. Review status: criteria provided, multiple submitters, no conflicts (2 of 4 stars). 5 submissions from 5 submitters: Benign (2). 3 of the submissions do not count toward it. Last evaluated 2026-02-02.

Conditions:
NBAS-related disorder. Also called: NBAS-related condition.

Allele frequency attached by ClinVar (database versions not stated): ExAC 0.00252; 1000 Genomes Project 0.00659; 1000 Genomes Project 30x 0.00734; gnomAD 0.00761 and 0.00825; TOPMed 0.00863; ESP Exome Variant Server 0.00984.
gnomAD v4.1: 2,288 of 1,614,074 alleles (0.14%); highest among the groups gnomAD compares: African/African-American, 2.6%; 21 homozygotes.

Submissions (5):

Labcorp Genetics (formerly Invitae), Labcorp
Classification: Benign. Last evaluated: 2026-02-02. Review status: criteria provided, single submitter. Criteria: Invitae Variant Classification Sherloc (09022015). Collection method: clinical testing. Allele origin: germline.

Breakthrough Genomics
Classification: Benign. Review status: criteria provided, single submitter. Criteria: ACMG Guidelines, 2015. Collection method: not provided. Allele origin: germline. Inheritance: Autosomal recessive inheritance. Affected: yes.

PreventionGenetics, part of Exact Sciences
Classification: Benign for NBAS-related condition. Last evaluated: 2019-07-01. Review status: no assertion criteria provided. Collection method: clinical testing. Allele origin: germline. Not counted in ClinVar's aggregate classification.
Comment: This variant is classified as benign based on ACMG/AMP sequence variant interpretation guidelines (Richards et al. 2015 PMID: 25741868, with internal and published modifications).

Clinical Genetics, Academic Medical Center
Classification: Likely benign. Review status: no assertion criteria provided. Collection method: clinical testing. Allele origin: germline. Affected: yes. Study: VKGL Data-share Consensus. Not counted in ClinVar's aggregate classification.

Laboratory of Diagnostic Genome Analysis, Leiden University Medical Center (LUMC)
Classification: Likely benign. Review status: no assertion criteria provided. Collection method: clinical testing. Allele origin: germline. Affected: yes. Study: VKGL Data-share Consensus. Not counted in ClinVar's aggregate classification.

NM_015909.4(NBAS):c.3755C>A (p.Ser1252Tyr)

Gene: NBAS (NBAS subunit of NRZ tethering complex; minus strand). Cytogenetic location: 2p24.3.
Variant type: single nucleotide variant.
Coding change: c.3755C>A on transcript NM_015909.4 (MANE Select); coding-DNA position 3755, C replaced by A.
Protein change: p.Ser1252Tyr; replaces serine 1252 with tyrosine.
Molecular consequence: missense variant. On other transcripts: non-coding transcript variant (1).
Genome position (GRCh38, 1-based): chr2:15,366,642, G>T on the plus strand (C>A on the coding strand, the complement: NBAS is on the minus strand). VCF-style: chr2-15366642-G-T. GRCh37 (hg19) VCF-style: chr2-15506766-G-T.
Other names: short protein forms S1252Y.
Identifiers: ClinVar variation 780338 (VCV000780338.17), dbSNP rs114866170, ClinGen allele CA1535920.